The following is an entry in ClinVar:

ClinVar aggregate classification (germline): Uncertain significance. Review status: criteria provided, multiple submitters, no conflicts (2 of 4 stars). 2 submissions from 2 submitters: Uncertain significance (2). Last evaluated 2024-07-10.

Conditions:
Cardiovascular phenotype. Identifiers: MedGen CN230736.
Arrhythmogenic cardiomyopathy with wooly hair and keratoderma. Also called: PALMOPLANTAR KERATODERMA WITH LEFT VENTRICULAR CARDIOMYOPATHY AND WOOLLY HAIR; Carvajal syndrome; Dilated cardiomyopathy with woolly hair and keratoderma; Arrhythmogenic cardiomyopathy with woolly hair and keratoderma. Identifiers: Orphanet 65282, MedGen C1854063, MONDO:0011581, OMIM 605676.

Submissions (2):

All of Us Research Program, National Institutes of Health
Classification: Uncertain significance for Arrhythmogenic cardiomyopathy with wooly hair and keratoderma. Last evaluated: 2024-07-10. Review status: criteria provided, single submitter. Criteria: ACMG Guidelines, 2015. Collection method: clinical testing. Allele origin: germline. Inheritance: Autosomal dominant inheritance. Observed: 1 variant allele, 1 heterozygote.
Comment: This missense variant replaces arginine with methionine at codon 1582 of the DSP protein. Computational prediction suggests that this variant may not impact protein structure and function (internally defined REVEL score threshold <= 0.5, PMID: 27666373). To our knowledge, functional studies have not been reported for this variant. This variant has not been reported in individuals affected with DSP-related disorders in the literature. This variant has not been identified in the general population by the Genome Aggregation Database (gnomAD). The available evidence is insufficient to determine the role of this variant in disease conclusively. Therefore, this variant is classified as a Variant of Uncertain Significance.

This study involves interpretation of variants in research participants for the purpose of population health screening. Participant phenotype was not available at the time of variant classification. Additional details can be found in publication PMID: 35346344, PMCID: PMC8962531

Ambry Genetics
Classification: Uncertain significance for Cardiovascular phenotype. Last evaluated: 2023-11-22. Review status: criteria provided, single submitter. Criteria: Ambry Variant Classification Scheme 2023. Collection method: clinical testing. Allele origin: germline.
Comment: The p.R1582M variant (also known as c.4745G>T), located in coding exon 23 of the DSP gene, results from a G to T substitution at nucleotide position 4745. The arginine at codon 1582 is replaced by methionine, an amino acid with similar properties. This amino acid position is conserved. In addition, this alteration is predicted to be tolerated by in silico analysis. Since supporting evidence is limited at this time, the clinical significance of this alteration remains unclear.

NM_004415.4(DSP):c.4745G>T (p.Arg1582Met)

Gene: DSP (desmoplakin; plus strand). Cytogenetic location: 6p24.3.
Variant type: single nucleotide variant.
Coding change: c.4745G>T on transcript NM_004415.4 (MANE Select); coding-DNA position 4745, G replaced by T.
Protein change: p.Arg1582Met; replaces arginine 1582 with methionine.
Molecular consequence: missense variant. On other transcripts: intron variant (2).
Genome position (GRCh38, 1-based): chr6:7,580,935, G>T. VCF-style: chr6-7580935-G-T. GRCh37 (hg19) VCF-style: chr6-7581168-G-T.
Other names: c.4050+695G>T (NM_001319034.2); c.3582+1163G>T (NM_001008844.3); short protein forms R1582M.
Identifiers: ClinVar variation 3224236 (VCV003224236.2), dbSNP rs2533930111, ClinGen allele CA362687064.